The following is an entry in ClinVar:

NM_016292.3(TRAP1):c.1431C>T (p.Ser477=)

Genes: DNASE1 (deoxyribonuclease 1; plus strand), TRAP1 (TNF receptor associated protein 1; minus strand). Cytogenetic location: 16p13.3.
Variant type: single nucleotide variant.
Coding change: c.1431C>T on transcript NM_016292.3 (MANE Select); coding-DNA position 1431, C replaced by T.
Protein change: p.Ser477=; no amino-acid change (serine 477 retained).
Molecular consequence: synonymous variant. On other transcripts: 3 prime UTR variant (1).
Genome position (GRCh38, 1-based): chr16:3,664,412, G>A on the plus strand (C>T on the coding strand, the complement: TRAP1 is on the minus strand). VCF-style: chr16-3664412-G-A. GRCh37 (hg19) VCF-style: chr16-3714413-G-A.
Other names: c.1272C>T, p.Ser424= (NM_001272049.2); c.*1788G>A (NM_001387140.1).
Identifiers: ClinVar variation 2646127 (VCV002646127.22), dbSNP rs780424369, ClinGen allele CA7868083.

ClinVar aggregate classification (germline): Likely benign (1 of 4 stars; one submission).

gnomAD v4.1: 122 of 1,611,808 alleles (0.0076%); highest among the groups gnomAD compares: South Asian, 0.029%; 1 homozygote.

Submission:

CeGaT Center for Human Genetics Tuebingen
Classification: Likely benign. Last evaluated: 2023-04-01. Review status: criteria provided, single submitter. Criteria: CeGaT Center For Human Genetics Tuebingen Variant Classification Criteria Version 2. Collection method: clinical testing. Allele origin: germline. Affected: yes. Observed: 1 variant allele.
Comment: TRAP1: BP4, BP7